The following is an entry in ClinVar:

ClinVar aggregate classification (germline): Uncertain significance. Review status: criteria provided, multiple submitters, no conflicts (2 of 4 stars). 2 submissions from 2 submitters: Uncertain significance (2). Last evaluated 2026-03-24.

Conditions:
Hypertrophic cardiomyopathy. Also called: HYPERTROPHIC MYOCARDIOPATHY. Identifiers: Orphanet 217569, MedGen C0007194, MeSH D002312, MONDO:0005045, HP:0001639.

Submissions (2):

GeneDx
Classification: Uncertain significance. Last evaluated: 2026-03-24. Review status: criteria provided, single submitter. Criteria: GeneDx Variant Classification Process June 2021. Collection method: clinical testing. Allele origin: germline.
Comment: Not observed at significant frequency in large population cohorts (gnomAD); In silico analysis suggests that this missense variant does not alter protein structure/function; Has not been previously published as pathogenic or benign to our knowledge

Labcorp Genetics (formerly Invitae), Labcorp
Classification: Uncertain significance for Hypertrophic cardiomyopathy. Last evaluated: 2024-04-25. Review status: criteria provided, single submitter. Criteria: Invitae Variant Classification Sherloc (09022015). Collection method: clinical testing. Allele origin: germline.
Comment: This sequence change replaces valine, which is neutral and non-polar, with isoleucine, which is neutral and non-polar, at codon 35 of the MYL3 protein (p.Val35Ile). This variant is not present in population databases (gnomAD no frequency). This variant has not been reported in the literature in individuals affected with MYL3-related conditions. ClinVar contains an entry for this variant (Variation ID: 1402256). An algorithm developed to predict the effect of missense changes on protein structure and function (PolyPhen-2) suggests that this variant is likely to be tolerated. In summary, the available evidence is currently insufficient to determine the role of this variant in disease. Therefore, it has been classified as a Variant of Uncertain Significance.

NM_000258.3(MYL3):c.103G>A (p.Val35Ile)

Gene: MYL3 (myosin light chain 3; minus strand). Cytogenetic location: 3p21.31.
Variant type: single nucleotide variant.
Coding change: c.103G>A on transcript NM_000258.3 (MANE Select); coding-DNA position 103, G replaced by A.
Protein change: p.Val35Ile; replaces valine 35 with isoleucine.
Molecular consequence: missense variant.
Genome position (GRCh38, 1-based): chr3:46,863,288, C>T on the plus strand (G>A on the coding strand, the complement: MYL3 is on the minus strand). VCF-style: chr3-46863288-C-T. GRCh37 (hg19) VCF-style: chr3-46904778-C-T.
Other names: c.103G>A (NM_000258.2); short protein forms V35I.
Identifiers: ClinVar variation 1402256 (VCV001402256.7), dbSNP rs997633110, ClinGen allele CA73781890.